The following is an entry in ClinVar:

ClinVar aggregate classification (germline): Conflicting classifications of pathogenicity. Review status: criteria provided, conflicting classifications (1 of 4 stars). 7 submissions from 7 submitters: Uncertain significance (4); Likely benign (3). Last evaluated 2026-08-13.

Conditions:
LRP2-related disorder. Also called: LRP2-related condition.
Donnai-Barrow syndrome. Also called: DBS/FOAR SYNDROME; FACIOOCULOACOUSTICORENAL SYNDROME. Identifiers: Orphanet 2143, MedGen C1857277, MONDO:0009104, OMIM 222448.

Allele frequency attached by ClinVar (database versions not stated): ESP Exome Variant Server 0.00008; 1000 Genomes Project 30x 0.00016; 1000 Genomes Project 0.00020.
gnomAD v4.1: 110 of 1,614,102 alleles (0.0068%); highest among the groups gnomAD compares: African/African-American, 0.13%; no homozygotes.

Submissions (7):

PreventionGenetics, part of Exact Sciences
Classification: Uncertain significance for LRP2-related condition. Last evaluated: 2026-08-13. Review status: criteria provided, single submitter. Criteria: ACMG Guidelines, 2015. Collection method: clinical testing. Allele origin: germline.
Comment: The LRP2 c.169G>T variant is predicted to result in the amino acid substitution p.Ala57Ser. To our knowledge, this variant has not been reported in the literature. This variant is reported in 0.15% of alleles in individuals of African descent in gnomAD. Although we suspect that this variant may be benign, at this time, the clinical significance of this variant is uncertain due to the absence of conclusive functional and genetic evidence.

Labcorp Genetics (formerly Invitae), Labcorp
Classification: Likely benign. Last evaluated: 2026-01-25. Review status: criteria provided, single submitter. Criteria: Invitae Variant Classification Sherloc (09022015). Collection method: clinical testing. Allele origin: germline.

Blueprint Genetics
Classification: Likely benign. Last evaluated: 2024-06-27. Review status: criteria provided, single submitter. Criteria: ACMG Guidelines, 2015. Collection method: clinical testing. Allele origin: germline.

Fulgent Genetics
Classification: Likely benign for Donnai-Barrow syndrome. Last evaluated: 2024-03-25. Review status: criteria provided, single submitter. Criteria: ACMG Guidelines, 2015. Collection method: clinical testing. Allele origin: germline.

GeneDx
Classification: Uncertain significance. Last evaluated: 2022-05-10. Review status: criteria provided, single submitter. Criteria: GeneDx Variant Classification Process June 2021. Collection method: clinical testing. Allele origin: germline. Affected: yes.
Comment: In silico analysis supports that this missense variant does not alter protein structure/function; Has not been previously published as pathogenic or benign to our knowledge

Genome-Nilou Lab
Classification: Uncertain significance for Donnai-Barrow syndrome. Last evaluated: 2021-07-15. Review status: criteria provided, single submitter. Criteria: ACMG Guidelines, 2015. Collection method: clinical testing. Allele origin: germline. Affected: no.

New York Genome Center
Classification: Uncertain significance for Donnai-Barrow syndrome. Last evaluated: 2020-07-10. Review status: criteria provided, single submitter. Criteria: NYGC Assertion Criteria 2020. Collection method: clinical testing. Allele origin: germline. Observed: 1 heterozygote. Study: CSER-NYCKidSeq.

NM_004525.3(LRP2):c.169G>T (p.Ala57Ser)

Gene: LRP2 (LDL receptor related protein 2; minus strand). Cytogenetic location: 2q31.1.
Variant type: single nucleotide variant.
Coding change: c.169G>T on transcript NM_004525.3 (MANE Select); coding-DNA position 169, G replaced by T.
Protein change: p.Ala57Ser; replaces alanine 57 with serine.
Molecular consequence: missense variant.
Genome position (GRCh38, 1-based): chr2:169,320,795, C>A on the plus strand (G>T on the coding strand, the complement: LRP2 is on the minus strand). VCF-style: chr2-169320795-C-A. GRCh37 (hg19) VCF-style: chr2-170177305-C-A.
Other names: c.169G>T (NM_004525.2); short protein forms A57S.
Identifiers: ClinVar variation 1131477 (VCV001131477.16), dbSNP rs147295930, ClinGen allele CA1955980.
Genomic context (GRCh38, chr2:169,320,795, plus strand): 5'-GGTTACTCAAAATAGAACTTAGCCTGGCCCCTCCTCACTTACCGCAGCCAATTTCATCCG[C>A]GTCATCTGAACAGTCTTTGGTCCCATCACACCTCCAGTCTGCAGGGATGCAATGCCCACT-3'
Protein context (NP_004516.2, residues 47-67): CDGTKDCSDD[Ala57Ser]DEIGCAVVTC